The following is an entry in ClinVar:

NM_018051.5(DYNC2I1):c.1321C>T (p.Arg441Ter)

Gene: DYNC2I1 (dynein 2 intermediate chain 1; plus strand). Cytogenetic location: 7q36.3.
Variant type: single nucleotide variant.
Coding change: c.1321C>T on transcript NM_018051.5 (MANE Select); coding-DNA position 1321, C replaced by T.
Protein change: p.Arg441Ter; replaces arginine 441 with a stop codon.
Molecular consequence: nonsense. On other transcripts: 5 prime UTR variant (3).
Genome position (GRCh38, 1-based): chr7:158,902,559, C>T. VCF-style: chr7-158902559-C-T. GRCh37 (hg19) VCF-style: chr7-158695250-C-T.
Other names: c.1183C>T, p.Arg395Ter (NM_001350914.2); c.748C>T, p.Arg250Ter (NM_001350915.2); c.-38C>T (NM_001350916.2); c.-46C>T (NM_001350917.2, NM_001350918.2); short protein forms R441*, R250*, R395*.
Identifiers: ClinVar variation 577342 (VCV000577342.9), dbSNP rs766663693, ClinGen allele CA4594570.

ClinVar aggregate classification (germline): Pathogenic/Likely pathogenic. Review status: criteria provided, multiple submitters, no conflicts (2 of 4 stars). 2 submissions from 2 submitters: Pathogenic (1); Likely pathogenic (1). Last evaluated 2023-10-28.

Conditions:
Short-rib thoracic dysplasia 8 with or without polydactyly (SRTD8). Also called: SHORT-RIB THORACIC DYSPLASIA 8 WITH POLYDACTYLY. Identifiers: Orphanet 93271, MedGen C3809691, MONDO:0014214, OMIM 615503.

Allele frequency attached by ClinVar (database versions not stated): ExAC 0.00002; gnomAD exomes 0.00001; TOPMed 0.00001.
gnomAD v4.1: 7 of 1,613,922 alleles (0.00043%); highest among the groups gnomAD compares: East Asian, 0.0022%; no homozygotes.

Submissions (2):

Labcorp Genetics (formerly Invitae), Labcorp
Classification: Pathogenic for Short-rib thoracic dysplasia 8 with or without polydactyly. Last evaluated: 2023-10-28. Review status: criteria provided, single submitter. Criteria: Invitae Variant Classification Sherloc (09022015). Collection method: clinical testing. Allele origin: germline.
Comment: This sequence change creates a premature translational stop signal (p.Arg441*) in the WDR60 gene. It is expected to result in an absent or disrupted protein product. Loss-of-function variants in WDR60 are known to be pathogenic (PMID: 9068549, 23910462). This variant is present in population databases (rs766663693, gnomAD 0.006%). This variant has not been reported in the literature in individuals affected with WDR60-related conditions. ClinVar contains an entry for this variant (Variation ID: 577342). For these reasons, this variant has been classified as Pathogenic.

Department of Pathology and Laboratory Medicine, Sinai Health System
Classification: Likely pathogenic for short-rib thoracic dysplasia 8 with or without polydactyly. Last evaluated: 2023-01-27. Review status: criteria provided, single submitter. Criteria: ACMG Guidelines, 2015. Collection method: research. Allele origin: germline.

Literature cited by the submitters: PubMed 9068549 (cited by Labcorp Genetics (formerly Invitae), Labcorp); PubMed 23910462 (cited by Labcorp Genetics (formerly Invitae), Labcorp).